The following is an entry in ClinVar:

NM_002351.4(SH2D1A):c.-124T>A

Gene: SH2D1A (SH2 domain containing 1A; plus strand). Cytogenetic location: Xq25.
Variant type: single nucleotide variant.
Coding change: c.-124T>A on transcript NM_002351.4; 124 bases upstream of the start codon, T replaced by A.
Genome position (GRCh38, 1-based): chrX:124,346,519, T>A. VCF-style: chrX-124346519-T-A. GRCh37 (hg19) VCF-style: chrX-123480369-T-A.
Identifiers: ClinVar variation 367869 (VCV000367869.32), dbSNP rs148700291, ClinGen allele CA10645911.
Genomic context (GRCh38, chrX:124,346,519, plus strand): 5'-TAACTGAAGTGTGAGAAGGAGGTTTAAGGCAAGTAGACAACATCCTGTTGTTGGGGTGCT[T>A]CTCTCTTTTTTGCACATCTGGCTGAACTGGGAGTCAGGTGGTTGACTTGTGCCTGGCTGC-3'

ClinVar aggregate classification (germline): Conflicting classifications of pathogenicity. Review status: criteria provided, conflicting classifications (1 of 4 stars). 2 submissions from 2 submitters: Uncertain significance (1); Likely benign (1). Last evaluated 2023-01-01.

Conditions:
X-linked lymphoproliferative disease due to SH2D1A deficiency (XLP1). Also called: IMMUNODEFICIENCY 5; IMMUNODEFICIENCY, X-LINKED PROGRESSIVE COMBINED VARIABLE; INFECTIOUS MONONUCLEOSIS, SEVERE, SUSCEPTIBILITY TO; PURTILO SYNDROME; DUNCAN DISEASE; SH2D1A-Related Lymphoproliferative Disease, X-Linked. Identifiers: Orphanet 2442, Orphanet 538931, MedGen C5399825, MONDO:0024551, OMIM 308240.

Allele frequency attached by ClinVar (database versions not stated): 1000 Genomes Project 0.00053; TOPMed 0.00093; gnomAD 0.00092 and 0.00089; 1000 Genomes Project 30x 0.00104.

Submissions (2):

CeGaT Center for Human Genetics Tuebingen
Classification: Likely benign. Last evaluated: 2023-01-01. Review status: criteria provided, single submitter. Criteria: CeGaT Center For Human Genetics Tuebingen Variant Classification Criteria Version 2. Collection method: clinical testing. Allele origin: germline. Affected: yes. Observed: 1 variant allele.
Comment: SH2D1A: BS2

Illumina Laboratory Services, Illumina
Classification: Uncertain significance for X-linked lymphoproliferative disease due to SH2D1A deficiency. Last evaluated: 2018-01-13. Review status: criteria provided, single submitter. Criteria: ICSL Variant Classification Criteria 13 December 2019. Collection method: clinical testing. Allele origin: germline.